The following is an entry in ClinVar:

NM_199420.4(POLQ):c.6539G>A (p.Ser2180Asn)

Gene: POLQ (DNA polymerase theta; minus strand). Cytogenetic location: 3q13.33.
Variant type: single nucleotide variant.
Coding change: c.6539G>A on transcript NM_199420.4 (MANE Select); coding-DNA position 6539, G replaced by A.
Protein change: p.Ser2180Asn; replaces serine 2180 with asparagine.
Molecular consequence: missense variant.
Genome position (GRCh38, 1-based): chr3:121,473,354, C>T on the plus strand (G>A on the coding strand, the complement: POLQ is on the minus strand). VCF-style: chr3-121473354-C-T. GRCh37 (hg19) VCF-style: chr3-121192201-C-T.
Other names: short protein forms S2180N.
Identifiers: ClinVar variation 1754089 (VCV001754089.3), dbSNP rs765192505, ClinGen allele CA2562450.

ClinVar aggregate classification (germline): Uncertain significance (1 of 4 stars; one submission).

Allele frequency attached by ClinVar (database versions not stated): gnomAD exomes 0.00002; ExAC 0.00003; gnomAD 0.00005; TOPMed 0.00006.
gnomAD v4.1: 33 of 1,612,598 alleles (0.002%); highest among the groups gnomAD compares: Admixed American, 0.0034%; no homozygotes.

Submission:

Ambry Genetics
Classification: Uncertain significance. Last evaluated: 2024-09-25. Review status: criteria provided, single submitter. Criteria: Ambry Variant Classification Scheme 2023. Collection method: clinical testing. Allele origin: germline.
Comment: The p.S2180N variant (also known as c.6539G>A), located in coding exon 21 of the POLQ gene, results from a G to A substitution at nucleotide position 6539. The serine at codon 2180 is replaced by asparagine, an amino acid with highly similar properties. This amino acid position is conserved. In addition, this alteration is predicted to be tolerated by in silico analysis. Since supporting evidence is limited at this time, the clinical significance of this alteration remains unclear.